The following is an entry in ClinVar:

ClinVar aggregate classification (germline): Benign (1 of 4 stars; one submission).

Submission:

GeneDx
Classification: Benign. Last evaluated: 2018-06-14. Review status: criteria provided, single submitter. Criteria: GeneDx Variant Classification (06012015). Collection method: clinical testing. Allele origin: germline. Affected: yes.
Comment: This variant is considered likely benign or benign based on one or more of the following criteria: it is a conservative change, it occurs at a poorly conserved position in the protein, it is predicted to be benign by multiple in silico algorithms, and/or has population frequency not consistent with disease.

NM_022041.4(GAN):c.1087-314dup

Gene: GAN (gigaxonin; plus strand). Cytogenetic location: 16q23.2.
Variant type: Duplication.
Coding change: c.1087-314dup on transcript NM_022041.4 (MANE Select); 314 bases into the intron before coding-DNA position 1087, one base duplicated (A; older notation c.1087-314dupA).
Molecular consequence: intron variant.
Genome position (GRCh38, 1-based): chr16:81,363,480, A duplicated; the last of 6 consecutive A bases (chr16:81,363,475-81,363,480); duplicating any one gives the same sequence. VCF-style (leftmost placement, unchanged base first): chr16-81363474-G-GA. GRCh37 (hg19) VCF-style: chr16-81397079-G-GA.
Other names: c.448-314dup (NM_001377486.1); c.1087-320_1087-319insA (NM_022041.3).
Identifiers: ClinVar variation 669768 (VCV000669768.1), dbSNP rs35727292, ClinGen allele CA284267991.
Genomic context (GRCh38, chr16:81,363,474, plus strand): 5'-TTTAAGAAGCATTACCGGAGAAATGGTTTTGAACGTGGTACTTCCATGCTGGAACACTGG[G>GA]AAAAAAGATTTCTCTAATTTTTAAAAATAGTTTCAACTTTTATTTTAGACTCGGGGATAC-3'